The following is an entry in ClinVar:

ClinVar aggregate classification (germline): Uncertain significance. Review status: criteria provided, multiple submitters, no conflicts (2 of 4 stars). 5 submissions from 5 submitters: Uncertain significance (4). 1 of the submissions does not count toward it. Last evaluated 2025-12-21.

Conditions:
PMS2-related disorder. Also called: PMS2-related condition.
Hereditary nonpolyposis colorectal neoplasms. Identifiers: MedGen C0009405, MeSH D003123.
Hereditary cancer-predisposing syndrome. Also called: Neoplastic Syndromes, Hereditary; Tumor predisposition; Hereditary Cancer Syndrome; Hereditary neoplastic syndrome. Identifiers: Orphanet 140162, MedGen C0027672, MeSH D009386, MONDO:0015356.

Allele frequency attached by ClinVar (database versions not stated): TOPMed below 0.00001; ExAC 0.00001; gnomAD exomes 0.00001.

Submissions (5):

Labcorp Genetics (formerly Invitae), Labcorp
Classification: Uncertain significance for Hereditary nonpolyposis colorectal neoplasms. Last evaluated: 2025-12-21. Review status: criteria provided, single submitter. Criteria: Invitae Variant Classification Sherloc (09022015). Collection method: clinical testing. Allele origin: germline.
Comment: This sequence change replaces aspartic acid, which is acidic and polar, with asparagine, which is neutral and polar, at codon 792 of the PMS2 protein (p.Asp792Asn). The frequency data for this variant in the population databases (gnomAD) is considered unreliable due to the presence of homologous sequence, such as pseudogenes or paralogs, in the genome. This missense change has been observed in individual(s) with breast and/or ovarian cancer (PMID: 32039725, 34326862). ClinVar contains an entry for this variant (Variation ID: 140758). Invitae Evidence Modeling incorporating data from in vitro experimental studies (internal data) indicates that this missense variant is not expected to disrupt PMS2 function with a negative predictive value of 95%. Experimental studies are conflicting or provide insufficient evidence to determine the effect of this variant on PMS2 function (PMID: 28494185). In summary, the available evidence is currently insufficient to determine the role of this variant in disease. Therefore, it has been classified as a Variant of Uncertain Significance.

Ambry Genetics
Classification: Uncertain significance for Hereditary cancer-predisposing syndrome. Last evaluated: 2025-10-20. Review status: criteria provided, single submitter. Criteria: Ambry Variant Classification Scheme 2023. Collection method: clinical testing. Allele origin: germline.
Comment: The p.D792N variant (also known as c.2374G>A), located in coding exon 14 of the PMS2 gene, results from a G to A substitution at nucleotide position 2374. The aspartic acid at codon 792 is replaced by asparagine, an amino acid with highly similar properties. In one study, this variant was expressed at level similar to that of the wild type, but showed reduced function in response to certain DNA-damaging agents (Arora S et al. Cancer Biol. Ther., 2017 Jul;18:519-533). This alteration was identified in an individual with a clinical suspicion of Hereditary Breast and Ovarian Cancer Syndrome (da Costa E Silva Carvalho S et al. BMC Med Genomics, 2020 02;13:21). This variant was also identified in a cohort of 3,579 African males diagnosed with prostate cancer who underwent multi-gene panel testing of 19 DNA repair and cancer predisposition genes (Matejcic M et al. JCO Precis Oncol, 2020 Jan;4:32-43). This amino acid position is highly conserved in available vertebrate species. In addition, this alteration is predicted to be tolerated by in silico analysis. Based on the available evidence, the clinical significance of this variant remains unclear.

Color Diagnostics, LLC DBA Color Health
Classification: Uncertain significance for Hereditary cancer-predisposing syndrome. Last evaluated: 2025-02-04. Review status: criteria provided, single submitter. Criteria: ACMG Guidelines, 2015. Collection method: clinical testing. Allele origin: germline.
Comment: This missense variant replaces aspartic acid with asparagine at codon 792 of the PMS2 protein. Computational prediction is inconclusive regarding the impact of this variant on protein structure and function. A functional study has reported the mutant protein to have moderate DNA repair function and normal RNA and protein expression (PMID: 28494185). This variant has not been reported in individuals affected with hereditary cancer in the literature. This variant has been identified in 2/248866 chromosomes in the general population by the Genome Aggregation Database (gnomAD). The available evidence is insufficient to determine the role of this variant in disease conclusively. Therefore, this variant is classified as a Variant of Uncertain Significance.

GeneDx
Classification: Uncertain significance. Last evaluated: 2024-05-09. Review status: criteria provided, single submitter. Criteria: GeneDx Variant Classification Process June 2021. Collection method: clinical testing. Allele origin: germline. Affected: yes.
Comment: Published functional studies are inconclusive: lack of impact on mRNA or MLH1 protein expression, slight decrease in ability to reduce basal cellular viability apoptosis, and deficient response to DNA damaging agents (PMID: 28494185); Observed in an individual with prostate cancer and in at least one individual with a personal or family history of breast cancer, ovarian cancer, and/or diffuse gastric cancer (PMID: 32039725, 32832836); Not observed at significant frequency in large population cohorts (gnomAD); In silico analysis supports that this missense variant has a deleterious effect on protein structure/function; This variant is associated with the following publications: (PMID: Fukui2011[Chapter], 32039725, 32832836, 28494185)

PreventionGenetics, part of Exact Sciences
Classification: Uncertain significance for PMS2-related condition. Last evaluated: 2024-06-03. Review status: no assertion criteria provided. Collection method: clinical testing. Allele origin: germline. Not counted in ClinVar's aggregate classification.
Comment: The PMS2 c.2374G>A variant is predicted to result in the amino acid substitution p.Asp792Asn. This alteration has been reported in a several individuals in a hereditary cancer syndrome cohorts and in an individual diagnosed with prostate cancer (da Costa E Silva Carvalho et al. 2020. PubMed ID: 32039725; Bhai P et al 2021. PubMed ID: 34326862; Matejcic M et al 2020. PubMed ID: 32832836). Functional studies are inconclusive as to whether the variant impacts protein function (Arora S et al 2017. PubMed ID: 28494185). This variant is reported as a variant of uncertain significance by multiple labs in ClinVar. This variant is reported in 0.0018% of alleles in individuals of European (Non-Finnish) descent in gnomAD. This variant falls within a highly paralogous region. Allele frequency data should be interpreted with caution. At this time, the clinical significance of this variant is uncertain due to the absence of conclusive functional and genetic evidence.

Literature cited by the submitters: PubMed 32039725 (cited by Labcorp Genetics (formerly Invitae), Labcorp and Ambry Genetics); PubMed 34326862 (cited by Labcorp Genetics (formerly Invitae), Labcorp); PubMed 28494185 (cited by 3 submitters); PubMed 32832836 (cited by Ambry Genetics).

NM_000535.7(PMS2):c.2374G>A (p.Asp792Asn)

Gene: PMS2 (PMS1 homolog 2, mismatch repair system component; minus strand). Cytogenetic location: 7p22.1.
Variant type: single nucleotide variant.
Coding change: c.2374G>A on transcript NM_000535.7 (MANE Select); coding-DNA position 2374, G replaced by A.
Protein change: p.Asp792Asn; replaces aspartic acid 792 with asparagine.
Molecular consequence: missense variant. On other transcripts: non-coding transcript variant (1).
Genome position (GRCh38, 1-based): chr7:5,977,659, C>T on the plus strand (G>A on the coding strand, the complement: PMS2 is on the minus strand). VCF-style: chr7-5977659-C-T. GRCh37 (hg19) VCF-style: chr7-6017290-C-T.
Other names: c.1969G>A, p.Asp657Asn (NM_001322003.2, NM_001322004.2, NM_001322005.2); c.2218G>A, p.Asp740Asn (NM_001322006.2); c.2056G>A, p.Asp686Asn (NM_001322007.2, NM_001322008.2); c.2002G>A, p.Asp668Asn (NM_001322009.2); c.1813G>A, p.Asp605Asn (NM_001322010.2); c.1441G>A, p.Asp481Asn (NM_001322011.2, NM_001322012.2); c.1801G>A, p.Asp601Asn (NM_001322013.2); c.2407G>A, p.Asp803Asn (NM_001322014.2); and 2 more; short protein forms D792N, D686N, D689N, D740N, D481N, D605N, D668N, D803N.
Identifiers: ClinVar variation 140758 (VCV000140758.22), dbSNP rs587781265, ClinGen allele CA011368.